The following is an entry in ClinVar:

ClinVar aggregate classification (germline): Likely benign (1 of 4 stars; one submission).

Submission:

GeneDx
Classification: Likely benign. Last evaluated: 2016-10-26. Review status: criteria provided, single submitter. Criteria: GeneDx Variant Classification (06012015). Collection method: clinical testing. Allele origin: germline. Affected: yes.
Comment: This variant is considered likely benign or benign based on one or more of the following criteria: it is a conservative change, it occurs at a poorly conserved position in the protein, it is predicted to be benign by multiple in silico algorithms, and/or has population frequency not consistent with disease.

NM_006231.4(POLE):c.62+13_62+15delinsTTT

Genes: POLE (DNA polymerase epsilon, catalytic subunit; minus strand), LOC130009266 (ATAC-STARR-seq lymphoblastoid silent region 5123; plus strand). Cytogenetic location: 12q24.33.
Variant type: Indel.
Coding change: c.62+13_62+15delinsTTT on transcript NM_006231.4 (MANE Select); bases 13 to 15 of the intron after coding-DNA position 62, CTC replaced by TTT.
Molecular consequence: intron variant.
Genome position (GRCh38, 1-based): chr12:132,687,239-132,687,241, GAG replaced by AAA on the plus strand (CTC replaced by TTT on the coding strand, the reverse complement: POLE is on the minus strand). VCF-style: chr12-132687239-GAG-AAA. GRCh37 (hg19) VCF-style: chr12-133263825-GAG-AAA.
Identifiers: ClinVar variation 422620 (VCV000422620.1), dbSNP rs1064795897, ClinGen allele CA16619486.
Genomic context (GRCh38, chr12:132,687,239, plus strand): 5'-GCGGCGCCAGCCGAGGACGGCCCCATGGCACCCTCCGGAGGGCCGGCCCGAGAGCCTCAG[GAG>AAA]GGCGCCCCTCACCTGCTGGCCTCGCCATCCGCGCCTGGGTCCGCGCGCCGCCGCCCGCCG-3'